The following is an entry in ClinVar:

NM_001004311.3(FIGLA):c.36_49del (p.Ala13fs)

Gene: FIGLA (folliculogenesis specific bHLH transcription factor; minus strand). Cytogenetic location: 2p13.3.
Variant type: Deletion.
Coding change: c.36_49del on transcript NM_001004311.3 (MANE Select); coding-DNA positions 36 to 49, 14 bases deleted (CGCGCCGCCCGCGC).
Protein change: p.Ala13fs; shifts the reading frame from alanine 13.
Molecular consequence: frameshift variant.
Genome position (GRCh38, 1-based): chr2:70,790,590-70,790,603, GCGCGGGCGGCGCG deleted on the plus strand (CGCGCCGCCCGCGC on the coding strand, the reverse complement: FIGLA is on the minus strand); deleting any 14 consecutive bases within chr2:70,790,590-70,790,610 gives the same sequence; the c. name uses the placement nearest the transcript's 3' end. VCF-style (leftmost placement, unchanged base first): chr2-70790589-AGCGCGGGCGGCGCG-A. GRCh37 (hg19) VCF-style: chr2-71017721-AGCGCGGGCGGCGCG-A.
Other names: short protein forms A13fs.
Identifiers: ClinVar variation 4082645 (VCV004082645.1).

ClinVar aggregate classification (germline): Uncertain significance (1 of 4 stars; one submission).

Submission:

GeneDx
Classification: Uncertain significance. Last evaluated: 2025-02-28. Review status: criteria provided, single submitter. Criteria: GeneDx Variant Classification Process June 2021. Collection method: clinical testing. Allele origin: germline. Affected: yes.
Comment: Not observed at significant frequency in large population cohorts (gnomAD); Frameshift variant predicted to result in protein truncation or nonsense mediated decay in a gene for which loss-of-function is not an established mechanism of disease; Has not been previously published as pathogenic or benign to our knowledge